The following is an entry in ClinVar:

ClinVar aggregate classification (germline): Benign/Likely benign. Review status: criteria provided, multiple submitters, no conflicts (2 of 4 stars). 6 submissions from 6 submitters: Benign (2); Likely benign (4). Last evaluated 2026-08-01.

Conditions:
Bone fragility with contractures, arterial rupture, and deafness. Also called: LH3 DEFICIENCY; LYSYL HYDROXYLASE 3 DEFICIENCY; BCARD SYNDROME; BONE ABNORMALITIES, CATARACT, ARTERIAL RUPTURE, AND DEAFNESS. Identifiers: Orphanet 300284, MedGen C2676285, MONDO:0012892, OMIM 612394.

Allele frequency attached by ClinVar (database versions not stated): 1000 Genomes Project 30x 0.00250; 1000 Genomes Project 0.00280; gnomAD 0.00557 and 0.00583; TOPMed 0.00578; gnomAD exomes 0.00586 and 0.00739; ESP Exome Variant Server 0.00661; ExAC 0.00866.

Submissions (6):

CeGaT Center for Human Genetics Tuebingen
Classification: Likely benign. Last evaluated: 2026-08-01. Review status: criteria provided, single submitter. Criteria: CeGaT Center For Human Genetics Tuebingen Variant Classification Criteria Version 2. Collection method: clinical testing. Allele origin: germline. Affected: yes. Observed: 6 variant alleles.
Comment: PLOD3: BP4, BS2

Labcorp Genetics (formerly Invitae), Labcorp
Classification: Benign. Last evaluated: 2026-02-03. Review status: criteria provided, single submitter. Criteria: Invitae Variant Classification Sherloc (09022015). Collection method: clinical testing. Allele origin: germline.

ARUP Laboratories, Molecular Genetics and Genomics, ARUP Laboratories
Classification: Benign for Bone fragility with contractures, arterial rupture, and deafness. Last evaluated: 2023-09-25. Review status: criteria provided, single submitter. Criteria: ARUP Molecular Germline Variant Investigation Process 2024. Collection method: clinical testing. Allele origin: germline.

Fulgent Genetics
Classification: Likely benign for Bone fragility with contractures, arterial rupture, and deafness. Last evaluated: 2022-03-07. Review status: criteria provided, single submitter. Criteria: ACMG Guidelines, 2015. Collection method: clinical testing. Allele origin: unknown.

Center for Pediatric Genomic Medicine, Children's Mercy Hospital and Clinics
Classification: Likely benign. Last evaluated: 2017-09-18. Review status: criteria provided, single submitter. Criteria: ACMG Guidelines, 2015. Collection method: clinical testing. Allele origin: germline.

Breakthrough Genomics
Classification: Likely benign. Review status: criteria provided, single submitter. Criteria: ACMG Guidelines, 2015. Collection method: not provided. Allele origin: germline. Inheritance: Autosomal recessive inheritance. Affected: yes.

NM_001084.5(PLOD3):c.1144G>C (p.Asp382His)

Gene: PLOD3 (procollagen-lysine,2-oxoglutarate 5-dioxygenase 3; minus strand). Cytogenetic location: 7q22.1.
Variant type: single nucleotide variant.
Coding change: c.1144G>C on transcript NM_001084.5 (MANE Select); coding-DNA position 1144, G replaced by C.
Protein change: p.Asp382His; replaces aspartic acid 382 with histidine.
Molecular consequence: missense variant.
Genome position (GRCh38, 1-based): chr7:101,211,934, C>G on the plus strand (G>C on the coding strand, the complement: PLOD3 is on the minus strand). VCF-style: chr7-101211934-C-G. GRCh37 (hg19) VCF-style: chr7-100855215-C-G.
Other names: short protein forms D382H.
Identifiers: ClinVar variation 440182 (VCV000440182.46), dbSNP rs41281013, ClinGen allele CA4407817.
Genomic context (GRCh38, chr7:101,211,934, plus strand): 5'-TCTGCAGGTTGGTGAGGACAGCGTCGGCGTCCAGGCTGAAGTAGAACTCACACTCGGGGT[C>G]CTGCCGACACAGGTCCCTGGAGGTGAGAGGCGAGCTGAGACGGCGGCAGGTGGGGAGGCG-3'
Protein context (NP_001075.1, residues 372-392): RDMAMDLCRQ[Asp382His]PECEFYFSLD